The following is an entry in ClinVar:

NM_177438.3(DICER1):c.1134C>A (p.Ile378=)

Gene: DICER1 (dicer 1, ribonuclease III; minus strand). Cytogenetic location: 14q32.13.
Variant type: single nucleotide variant.
Coding change: c.1134C>A on transcript NM_177438.3 (MANE Select); coding-DNA position 1134, C replaced by A.
Protein change: p.Ile378=; no amino-acid change (isoleucine 378 retained).
Molecular consequence: synonymous variant.
Genome position (GRCh38, 1-based): chr14:95,124,438, G>T on the plus strand (C>A on the coding strand, the complement: DICER1 is on the minus strand). VCF-style: chr14-95124438-G-T. GRCh37 (hg19) VCF-style: chr14-95590775-G-T.
Other names: c.1134C>A, p.Ile378= (NM_001195573.1, NM_001271282.3, NM_001291628.2 and 1 more transcripts).
Identifiers: ClinVar variation 772472 (VCV000772472.12), dbSNP rs769457054, ClinGen allele CA487845450.

ClinVar aggregate classification (germline): Benign/Likely benign. Review status: criteria provided, multiple submitters, no conflicts (2 of 4 stars). 3 submissions from 3 submitters: Benign (1); Likely benign (2). Last evaluated 2026-04-15.

Conditions:
DICER1-related tumor predisposition. Also called: DICER1 syndrome; DICER1-related pleuropulmonary blastoma cancer predisposition syndrome. Identifiers: Orphanet 284343, MedGen C3839822, MONDO:0100216.
Hereditary cancer-predisposing syndrome. Also called: Tumor predisposition; Hereditary Cancer Syndrome; Hereditary neoplastic syndrome; Neoplastic Syndromes, Hereditary. Identifiers: Orphanet 140162, MedGen C0027672, MeSH D009386, MONDO:0015356.

Submissions (3):

Myriad Genetics, Inc.
Classification: Benign for DICER1-related tumor predisposition. Last evaluated: 2026-04-15. Review status: criteria provided, single submitter. Criteria: Myriad Autosomal Dominant, Autosomal Recessive and X-Linked Classification Criteria (2023). Collection method: clinical testing. Allele origin: unknown.
Comment: This variant is considered benign. This variant is a silent/synonymous amino acid change and it is not expected to impact splicing.

Ambry Genetics
Classification: Likely benign for Hereditary cancer-predisposing syndrome. Last evaluated: 2026-03-06. Review status: criteria provided, single submitter. Criteria: Ambry Variant Classification Scheme 2023. Collection method: clinical testing. Allele origin: germline.

Labcorp Genetics (formerly Invitae), Labcorp
Classification: Likely benign for DICER1-related tumor predisposition. Last evaluated: 2023-11-08. Review status: criteria provided, single submitter. Criteria: Invitae Variant Classification Sherloc (09022015). Collection method: clinical testing. Allele origin: germline.